The following is an entry in ClinVar:

NM_030653.4(DDX11):c.2491G>C (p.Ala831Pro)

Gene: DDX11 (DEAD/H-box helicase 11; plus strand). Cytogenetic location: 12p11.21.
Variant type: single nucleotide variant.
Coding change: c.2491G>C on transcript NM_030653.4 (MANE Select); coding-DNA position 2491, G replaced by C.
Protein change: p.Ala831Pro; replaces alanine 831 with proline.
Molecular consequence: missense variant.
Genome position (GRCh38, 1-based): chr12:31,103,350, G>C. VCF-style: chr12-31103350-G-C. GRCh37 (hg19) VCF-style: chr12-31256284-G-C.
Other names: c.2486G>C, p.Gly829Ala (NM_001257144.2, NM_152438.2); c.2413G>C, p.Ala805Pro (NM_001257145.2); c.2341G>C, p.Ala781Pro (NM_004399.3); short protein forms A781P, A805P, A831P, G829A.
Identifiers: ClinVar variation 1722786 (VCV001722786.2), dbSNP rs761702260, ClinGen allele CA6501857.

ClinVar aggregate classification (germline): Uncertain significance (1 of 4 stars; one submission).

Allele frequency attached by ClinVar (database versions not stated): ExAC 0.00002; gnomAD 0.00004; TOPMed 0.00006.
gnomAD v4.1: 14 of 1,611,076 alleles (0.00087%); highest among the groups gnomAD compares: African/African-American, 0.017%; no homozygotes.

Submission:

GeneDx
Classification: Uncertain significance. Last evaluated: 2022-05-06. Review status: criteria provided, single submitter. Criteria: GeneDx Variant Classification Process June 2021. Collection method: clinical testing. Allele origin: germline. Affected: yes.
Comment: In silico analysis supports that this missense variant does not alter protein structure/function; Has not been previously published as pathogenic or benign to our knowledge